The following is an entry in ClinVar:

ClinVar aggregate classification (germline): Uncertain significance (1 of 4 stars; one submission).

Conditions:
Inborn genetic diseases. Identifiers: MedGen C0950123, MeSH D030342.

Submission:

Ambry Genetics
Classification: Uncertain significance for Inborn genetic diseases. Last evaluated: 2024-08-01. Review status: criteria provided, single submitter. Criteria: Ambry Variant Classification Scheme 2023. Collection method: clinical testing. Allele origin: germline.
Comment: The p.D2084E variant (also known as c.6252T>A), located in coding exon 42 of the LRRK2 gene, results from a T to A substitution at nucleotide position 6252. The aspartic acid at codon 2084 is replaced by glutamic acid, an amino acid with highly similar properties. This amino acid position is conserved. In addition, the in silico prediction for this alteration is inconclusive. Based on the available evidence, the clinical significance of this variant remains unclear.

NM_198578.4(LRRK2):c.6252T>A (p.Asp2084Glu)

Gene: LRRK2 (leucine rich repeat kinase 2; plus strand). Cytogenetic location: 12q12.
Variant type: single nucleotide variant.
Coding change: c.6252T>A on transcript NM_198578.4 (MANE Select); coding-DNA position 6252, T replaced by A.
Protein change: p.Asp2084Glu; replaces aspartic acid 2084 with glutamic acid.
Molecular consequence: missense variant.
Genome position (GRCh38, 1-based): chr12:40,346,895, T>A. VCF-style: chr12-40346895-T-A. GRCh37 (hg19) VCF-style: chr12-40740697-T-A.
Other names: short protein forms D2084E.
Identifiers: ClinVar variation 3540599 (VCV003540599.1).